The following is an entry in ClinVar:

ClinVar aggregate classification (germline): Uncertain significance (1 of 4 stars; one submission).

Allele frequency attached by ClinVar (database versions not stated): gnomAD exomes below 0.00001; TOPMed below 0.00001.
gnomAD v4.1: 4 of 1,614,168 alleles (0.00025%); highest among the groups gnomAD compares: Non-Finnish European, 0.00034%; no homozygotes.

Submission:

CeGaT Center for Human Genetics Tuebingen
Classification: Uncertain significance. Last evaluated: 2022-09-01. Review status: criteria provided, single submitter. Criteria: CeGaT Center For Human Genetics Tuebingen Variant Classification Criteria Version 2. Collection method: clinical testing. Allele origin: germline. Affected: yes. Observed: 1 variant allele.
Comment: ZBTB18: PM2, PP2

NM_205768.3(ZBTB18):c.932G>A (p.Ser311Asn)

Gene: ZBTB18 (zinc finger and BTB domain containing 18; plus strand). Cytogenetic location: 1q44.
Variant type: single nucleotide variant.
Coding change: c.932G>A on transcript NM_205768.3 (MANE Select); coding-DNA position 932, G replaced by A.
Protein change: p.Ser311Asn; replaces serine 311 with asparagine.
Molecular consequence: missense variant.
Genome position (GRCh38, 1-based): chr1:244,054,706, G>A. VCF-style: chr1-244054706-G-A. GRCh37 (hg19) VCF-style: chr1-244218008-G-A.
Other names: c.905G>A, p.Ser302Asn (NM_001278196.2, NM_006352.5); short protein forms S302N, S311N.
Identifiers: ClinVar variation 1711247 (VCV001711247.30), dbSNP rs1698420168, ClinGen allele CA345674010.